The following is an entry in ClinVar:

NM_005359.6(SMAD4):c.538C>G (p.Gln180Glu)

Gene: SMAD4 (SMAD family member 4; plus strand). Cytogenetic location: 18q21.2.
Variant type: single nucleotide variant.
Coding change: c.538C>G on transcript NM_005359.6 (MANE Select); coding-DNA position 538, C replaced by G.
Protein change: p.Gln180Glu; replaces glutamine 180 with glutamic acid.
Molecular consequence: missense variant.
Genome position (GRCh38, 1-based): chr18:51,054,864, C>G. VCF-style: chr18-51054864-C-G. GRCh37 (hg19) VCF-style: chr18-48581234-C-G.
Other names: short protein forms Q180E.
Identifiers: ClinVar variation 952742 (VCV000952742.12), dbSNP rs377767332, ClinGen allele CA402460876.

ClinVar aggregate classification (germline): Uncertain significance. Review status: criteria provided, multiple submitters, no conflicts (2 of 4 stars). 2 submissions from 2 submitters: Uncertain significance (2). Last evaluated 2020-07-22.

Conditions:
Familial thoracic aortic aneurysm and aortic dissection (TAAD). Also called: Thoracic aortic aneurysms and dissections. Identifiers: Orphanet 91387, MedGen C4707243, MONDO:0019625.
Hereditary cancer-predisposing syndrome. Also called: Hereditary neoplastic syndrome; Tumor predisposition; Neoplastic Syndromes, Hereditary; Hereditary Cancer Syndrome. Identifiers: Orphanet 140162, MedGen C0027672, MeSH D009386, MONDO:0015356.
Juvenile polyposis syndrome (JPS). Identifiers: Orphanet 2929, MedGen C0345893, MONDO:0017380, OMIM 174900.

Submissions (2):

Ambry Genetics
Classification: Uncertain significance for Hereditary cancer-predisposing syndrome; Familial thoracic aortic aneurysm and aortic dissection. Last evaluated: 2020-07-22. Review status: criteria provided, single submitter. Criteria: Ambry Variant Classification Scheme 2023. Collection method: clinical testing. Allele origin: germline.
Comment: The p.Q180E variant (also known as c.538C>G), located in coding exon 4 of the SMAD4 gene, results from a C to G substitution at nucleotide position 538. The glutamine at codon 180 is replaced by glutamic acid, an amino acid with highly similar properties. This amino acid position is highly conserved in available vertebrate species. In addition, this alteration is predicted to be deleterious by in silico analysis. Since supporting evidence is limited at this time, the clinical significance of this alteration remains unclear.

Labcorp Genetics (formerly Invitae), Labcorp
Classification: Uncertain significance for Juvenile polyposis syndrome. Last evaluated: 2019-04-06. Review status: criteria provided, single submitter. Criteria: Invitae Variant Classification Sherloc (09022015). Collection method: clinical testing. Allele origin: germline.
Comment: Algorithms developed to predict the effect of missense changes on protein structure and function (SIFT, PolyPhen-2, Align-GVGD) all suggest that this variant is likely to be tolerated, but these predictions have not been confirmed by published functional studies and their clinical significance is uncertain. In summary, the available evidence is currently insufficient to determine the role of this variant in disease. Therefore, it has been classified as a Variant of Uncertain Significance. This variant has not been reported in the literature in individuals with SMAD4-related conditions. This variant is not present in population databases (ExAC no frequency). This sequence change replaces glutamine with glutamic acid at codon 180 of the SMAD4 protein (p.Gln180Glu). The glutamine residue is highly conserved and there is a small physicochemical difference between glutamine and glutamic acid.